The following is an entry in ClinVar:

NM_001384732.1(CPLANE1):c.3857G>A (p.Arg1286His)

Gene: CPLANE1 (ciliogenesis and planar polarity effector complex subunit 1; minus strand). Cytogenetic location: 5p13.2.
Variant type: single nucleotide variant.
Coding change: c.3857G>A on transcript NM_001384732.1 (MANE Select); coding-DNA position 3857, G replaced by A.
Protein change: p.Arg1286His; replaces arginine 1286 with histidine.
Molecular consequence: missense variant.
Genome position (GRCh38, 1-based): chr5:37,187,797, C>T on the plus strand (G>A on the coding strand, the complement: CPLANE1 is on the minus strand). VCF-style: chr5-37187797-C-T. GRCh37 (hg19) VCF-style: chr5-37187899-C-T.
Other names: c.3857G>A, p.Arg1286His (NM_023073.4); short protein forms R1286H.
Identifiers: ClinVar variation 1502898 (VCV001502898.9), dbSNP rs139464953, ClinGen allele CA3238842.
Genomic context (GRCh38, chr5:37,187,797, plus strand): 5'-TCTCCTTTTACATTTTCTCTTGCTTTCTGATATTGCCTGCAACTATAGGATAACTTATCA[C>T]GGACATGCAGCATCCAACACAGAGCACAAAGTTCTCTGAAGCAACCTAAAGCAGGAACAC-3'
Protein context (NP_001371661.1, residues 1276-1296): LCALCWMLHV[Arg1286His]DKLSYSCRQY

ClinVar aggregate classification (germline): Conflicting classifications of pathogenicity. Review status: criteria provided, conflicting classifications (1 of 4 stars). 3 submissions from 3 submitters: Likely pathogenic (2); Uncertain significance (1). Last evaluated 2026-01-25.

Conditions:
Joubert syndrome 17 (JBTS17). Identifiers: Orphanet 475, MedGen C3553264, MONDO:0013824, OMIM 614615.

Allele frequency attached by ClinVar (database versions not stated): gnomAD exomes 0.00001; ExAC 0.00002; TOPMed 0.00002; gnomAD 0.00003; ESP Exome Variant Server 0.00008; 1000 Genomes Project 30x 0.00016; 1000 Genomes Project 0.00020.
gnomAD v4.1: 21 of 1,613,832 alleles (0.0013%); highest among the groups gnomAD compares: Non-Finnish European, 0.0018%; no homozygotes.

Submissions (3):

Labcorp Genetics (formerly Invitae), Labcorp
Classification: Likely pathogenic. Last evaluated: 2026-01-25. Review status: criteria provided, single submitter. Criteria: Invitae Variant Classification Sherloc (09022015). Collection method: clinical testing. Allele origin: germline.
Comment: This sequence change replaces arginine, which is basic and polar, with histidine, which is basic and polar, at codon 1286 of the CPLANE1 protein (p.Arg1286His). This variant is present in population databases (rs139464953, gnomAD 0.004%). This missense change has been observed in individual(s) with Joubert syndrome (PMID: 29955609, 30403813). ClinVar contains an entry for this variant (Variation ID: 1502898). Invitae Evidence Modeling of protein sequence and biophysical properties (such as structural, functional, and spatial information, amino acid conservation, physicochemical variation, residue mobility, and thermodynamic stability) indicates that this missense variant is expected to disrupt CPLANE1 protein function with a positive predictive value of 80%. In summary, the currently available evidence indicates that the variant is pathogenic, but additional data are needed to prove that conclusively. Therefore, this variant has been classified as Likely Pathogenic.

Clinical Genetics and Genomics, Karolinska University Hospital
Classification: Likely pathogenic for Joubert syndrome 17. Last evaluated: 2025-10-15. Review status: criteria provided, single submitter. Criteria: ACMG Guidelines, 2015. Collection method: clinical testing. Allele origin: germline. Inheritance: Autosomal recessive inheritance. Affected: yes.

Women's Health and Genetics/Laboratory Corporation of America, LabCorp
Classification: Uncertain significance. Last evaluated: 2023-11-07. Review status: criteria provided, single submitter. Criteria: LabCorp Variant Classification Summary - May 2015. Collection method: clinical testing. Allele origin: germline.
Comment: Variant summary: CPLANE1 c.3857G>A (p.Arg1286His) results in a non-conservative amino acid change in the encoded protein sequence. Three of four in-silico tools predict a damaging effect of the variant on protein function. The variant allele was found at a frequency of 1.8e-05 in 282504 control chromosomes (gnomAD). c.3857G>A has been reported in the literature in compound heterozygous individuals affected with Joubert Syndrome And Related Disorders (Xiang_2018, Nuovo_2020, Zhang_2021). These data indicate that the variant may be associated with disease. To our knowledge, no experimental evidence demonstrating an impact on protein function has been reported. The following publications have been ascertained in the context of this evaluation (PMID: 30403813, 29955609, 34091942, 32047782). One submitter has cited clinical-significance assessments for this variant to ClinVar after 2014 and has classified the variant as likely pathogenic. Based on the evidence outlined above, the variant was classified as VUS-possibly pathogenic.

Literature cited by the submitters: PubMed 29955609 (cited by Labcorp Genetics (formerly Invitae), Labcorp and Women's Health and Genetics/Laboratory Corporation of America, LabCorp); PubMed 30403813 (cited by Labcorp Genetics (formerly Invitae), Labcorp and Women's Health and Genetics/Laboratory Corporation of America, LabCorp); PubMed 34091942 (cited by Women's Health and Genetics/Laboratory Corporation of America, LabCorp); PubMed 32047782 (cited by Women's Health and Genetics/Laboratory Corporation of America, LabCorp).